The following is an entry in ClinVar:

ClinVar aggregate classification (germline): Uncertain significance (1 of 4 stars; one submission).

Allele frequency attached by ClinVar (database versions not stated): gnomAD exomes below 0.00001; ExAC 0.00001.
gnomAD v4.1: 13 of 1,587,782 alleles (0.00082%); highest among the groups gnomAD compares: Non-Finnish European, 0.001%; no homozygotes.

Submission:

Labcorp Genetics (formerly Invitae), Labcorp
Classification: Uncertain significance. Last evaluated: 2025-11-12. Review status: criteria provided, single submitter. Criteria: Invitae Variant Classification Sherloc (09022015). Collection method: clinical testing. Allele origin: germline.
Comment: This sequence change replaces asparagine, which is neutral and polar, with serine, which is neutral and polar, at codon 648 of the FBXO11 protein (p.Asn648Ser). This variant is present in population databases (rs778202709, gnomAD 0.001%). This variant has not been reported in the literature in individuals affected with FBXO11-related conditions. ClinVar contains an entry for this variant (Variation ID: 1515635). An algorithm developed to predict the effect of missense changes on protein structure and function (PolyPhen-2) suggests that this variant is likely to be disruptive. In summary, the available evidence is currently insufficient to determine the role of this variant in disease. Therefore, it has been classified as a Variant of Uncertain Significance.

NM_001190274.2(FBXO11):c.1943A>G (p.Asn648Ser)

Gene: FBXO11 (F-box protein 11; minus strand). Cytogenetic location: 2p16.3.
Variant type: single nucleotide variant.
Coding change: c.1943A>G on transcript NM_001190274.2 (MANE Select); coding-DNA position 1943, A replaced by G.
Protein change: p.Asn648Ser; replaces asparagine 648 with serine.
Molecular consequence: missense variant.
Genome position (GRCh38, 1-based): chr2:47,818,842, T>C on the plus strand (A>G on the coding strand, the complement: FBXO11 is on the minus strand). VCF-style: chr2-47818842-T-C. GRCh37 (hg19) VCF-style: chr2-48045981-T-C.
Other names: c.1691A>G, p.Asn564Ser (NM_001374325.1, NM_025133.4); short protein forms N564S, N648S.
Identifiers: ClinVar variation 1515635 (VCV001515635.8), dbSNP rs778202709, ClinGen allele CA1649694.